The following is an entry in ClinVar:

NM_000142.5(FGFR3):c.1864A>T (p.Asn622Tyr)

Gene: FGFR3 (fibroblast growth factor receptor 3; plus strand). Cytogenetic location: 4p16.3.
Variant type: single nucleotide variant.
Coding change: c.1864A>T on transcript NM_000142.5 (MANE Select); coding-DNA position 1864, A replaced by T.
Protein change: p.Asn622Tyr; replaces asparagine 622 with tyrosine.
Molecular consequence: missense variant. On other transcripts: non-coding transcript variant (1).
Genome position (GRCh38, 1-based): chr4:1,806,078, A>T. VCF-style: chr4-1806078-A-T. GRCh37 (hg19) VCF-style: chr4-1807805-A-T.
Other names: c.1870A>T, p.Asn624Tyr (NM_001163213.2); c.1867A>T, p.Asn623Tyr (NM_001354809.2, NM_001354810.2); c.1528A>T, p.Asn510Tyr (NM_022965.4); short protein forms N510Y, N622Y, N623Y, N624Y.
Identifiers: ClinVar variation 3369523 (VCV003369523.1).

ClinVar aggregate classification (germline): Uncertain significance (1 of 4 stars; one submission).

Submission:

GeneDx
Classification: Uncertain significance. Last evaluated: 2024-02-23. Review status: criteria provided, single submitter. Criteria: GeneDx Variant Classification Process June 2021. Collection method: clinical testing. Allele origin: germline. Affected: yes.
Comment: Not observed at significant frequency in large population cohorts (gnomAD); In silico analysis supports that this missense variant has a deleterious effect on protein structure/function; Has not been previously published as pathogenic or benign to our knowledge